The following is an entry in ClinVar:

NM_005477.3(HCN4):c.2770C>T (p.Pro924Ser)

Gene: HCN4 (hyperpolarization activated cyclic nucleotide gated potassium channel 4; minus strand). Cytogenetic location: 15q24.1.
Variant type: single nucleotide variant.
Coding change: c.2770C>T on transcript NM_005477.3 (MANE Select); coding-DNA position 2770, C replaced by T.
Protein change: p.Pro924Ser; replaces proline 924 with serine.
Molecular consequence: missense variant.
Genome position (GRCh38, 1-based): chr15:73,323,323, G>A on the plus strand (C>T on the coding strand, the complement: HCN4 is on the minus strand). VCF-style: chr15-73323323-G-A. GRCh37 (hg19) VCF-style: chr15-73615664-G-A.
Other names: short protein forms P924S.
Identifiers: ClinVar variation 2450261 (VCV002450261.2), dbSNP rs1354582644, ClinGen allele CA393088090.
Genomic context (GRCh38, chr15:73,323,323, plus strand): 5'-CGGGAGATGGCTGGGCAGCCTGCGGGGAGCGGGCGCCTGGCTGCAGCGGGGTGAGCAGGG[G>A]AGAGTCGGAGGAGGACAGGGAGCCACCCAGCGCCTTGTGGAAGTGGCCAAACCCGGCTAT-3'
Protein context (NP_005468.1, residues 914-934): LGGSLSSSDS[Pro924Ser]LLTPLQPGAR

ClinVar aggregate classification (germline): Uncertain significance (1 of 4 stars; one submission).

Conditions:
Cardiovascular phenotype. Identifiers: MedGen CN230736.

Allele frequency attached by ClinVar (database versions not stated): gnomAD exomes below 0.00001; TOPMed below 0.00001.
gnomAD v4.1: 1 of 1,560,170 alleles (0.000064%); highest among the groups gnomAD compares: Non-Finnish European, 0.000087%; no homozygotes.

Submission:

Ambry Genetics
Classification: Uncertain significance for Cardiovascular phenotype. Last evaluated: 2023-01-01. Review status: criteria provided, single submitter. Criteria: Ambry Variant Classification Scheme 2023. Collection method: clinical testing. Allele origin: germline.
Comment: The p.P924S variant (also known as c.2770C>T), located in coding exon 8 of the HCN4 gene, results from a C to T substitution at nucleotide position 2770. The proline at codon 924 is replaced by serine, an amino acid with similar properties. This amino acid position is conserved. In addition, the in silico prediction for this alteration is inconclusive. Since supporting evidence is limited at this time, the clinical significance of this alteration remains unclear.